The following is an entry in ClinVar:

ClinVar aggregate classification (germline): Uncertain significance. Review status: criteria provided, multiple submitters, no conflicts (2 of 4 stars). 3 submissions from 3 submitters: Uncertain significance (3). Last evaluated 2024-12-04.

Conditions:
Paramyotonia congenita of Von Eulenburg. Also called: PARALYSIS PERIODICA PARAMYOTONICA; Paramyotonia Congenita; Eulenburg disease; Myotonia congenita intermittens; Von Eulenburg paramyotonia congenita. Identifiers: Orphanet 684, MedGen C0221055, MONDO:0008195, OMIM 168300. Disease mechanism: loss of function.
Hypokalemic periodic paralysis, type 2 (HOKPP2). Identifiers: Orphanet 681, MedGen C2750061, MONDO:0013234, OMIM 613345.
Hypokalemic periodic paralysis, type 1. Also called: Hypokalemic Periodic Paralysis Type 1 (AD); HypoPP. Identifiers: Orphanet 681, MedGen C3714580, MONDO:0042979, OMIM 170400.
Potassium-aggravated myotonia. Also called: MYOTONIA CONGENITA, ACETAZOLAMIDE-RESPONSIVE; MYOTONIA CONGENITA, ATYPICAL; Myotonia congenita, atypical, acetazolamide-responsive; SODIUM CHANNEL MUSCLE DISEASE. Identifiers: Orphanet 612, Orphanet 99734, Orphanet 99735, Orphanet 99736, MedGen C2931826, MONDO:0018959, OMIM 608390.
Congenital myasthenic syndrome 16. Identifiers: Orphanet 590, MedGen C3280112, MONDO:0013620, OMIM 614198.
Hyperkalemic periodic paralysis. Also called: Familial hyperkalemic periodic paralysis; Gamstorp disease. Identifiers: Orphanet 682, MedGen C0238357, MONDO:0008224, OMIM 170500, HP:0007215.
Inborn genetic diseases. Identifiers: MedGen C0950123, MeSH D030342.

Allele frequency attached by ClinVar (database versions not stated): gnomAD exomes 0.00003 and 0.00001; ESP Exome Variant Server 0.00016; ExAC 0.00003; TOPMed 0.00003; gnomAD 0.00001.

Submissions (3):

Labcorp Genetics (formerly Invitae), Labcorp
Classification: Uncertain significance for Hyperkalemic periodic paralysis. Last evaluated: 2024-12-04. Review status: criteria provided, single submitter. Criteria: Invitae Variant Classification Sherloc (09022015). Collection method: clinical testing. Allele origin: germline.
Comment: This sequence change replaces glutamic acid, which is acidic and polar, with lysine, which is basic and polar, at codon 1783 of the SCN4A protein (p.Glu1783Lys). This variant is present in population databases (rs377673196, gnomAD 0.02%). This variant has not been reported in the literature in individuals affected with SCN4A-related conditions. ClinVar contains an entry for this variant (Variation ID: 477428). Invitae Evidence Modeling of protein sequence and biophysical properties (such as structural, functional, and spatial information, amino acid conservation, physicochemical variation, residue mobility, and thermodynamic stability) indicates that this missense variant is not expected to disrupt SCN4A protein function with a negative predictive value of 95%. In summary, the available evidence is currently insufficient to determine the role of this variant in disease. Therefore, it has been classified as a Variant of Uncertain Significance.

Ambry Genetics
Classification: Uncertain significance for Inborn genetic diseases. Last evaluated: 2024-09-27. Review status: criteria provided, single submitter. Criteria: Ambry Variant Classification Scheme 2023. Collection method: clinical testing. Allele origin: germline.

Fulgent Genetics
Classification: Uncertain significance for Paramyotonia congenita of Von Eulenburg; Hypokalemic periodic paralysis, type 1; Hyperkalemic periodic paralysis; Potassium-aggravated myotonia; Hypokalemic periodic paralysis, type 2; Congenital myasthenic syndrome 16. Last evaluated: 2021-10-06. Review status: criteria provided, single submitter. Criteria: ACMG Guidelines, 2015. Collection method: clinical testing. Allele origin: unknown.

NM_000334.4(SCN4A):c.5347G>A (p.Glu1783Lys)

Genes: GH-LCR (growth hormone locus control region; plus strand), SCN4A (sodium voltage-gated channel alpha subunit 4; minus strand). Cytogenetic location: 17q23.3.
Variant type: single nucleotide variant.
Coding change: c.5347G>A on transcript NM_000334.4 (MANE Select); coding-DNA position 5347, G replaced by A.
Protein change: p.Glu1783Lys; replaces glutamic acid 1783 with lysine.
Molecular consequence: missense variant.
Genome position (GRCh38, 1-based): chr17:63,940,935, C>T on the plus strand (G>A on the coding strand, the complement: SCN4A is on the minus strand). VCF-style: chr17-63940935-C-T. GRCh37 (hg19) VCF-style: chr17-62018295-C-T.
Other names: short protein forms E1783K.
Identifiers: ClinVar variation 477428 (VCV000477428.10), dbSNP rs377673196, ClinGen allele CA8708778.